The following is an entry in ClinVar:

ClinVar aggregate classification (germline): Uncertain significance. Review status: criteria provided, multiple submitters, no conflicts (2 of 4 stars). 8 submissions from 8 submitters: Uncertain significance (7). 1 of the submissions does not count toward it. Last evaluated 2026-01-27.

Conditions:
BLM-related disorder. Also called: BLM-related condition.
Colorectal cancer. Also called: Malignant Colorectal Neoplasm; Colorectal cancer, somatic. Identifiers: MedGen C0346629, MONDO:0005575, OMIM 114500.
Hereditary cancer-predisposing syndrome. Also called: Tumor predisposition; Hereditary neoplastic syndrome; Neoplastic Syndromes, Hereditary; Hereditary Cancer Syndrome. Identifiers: Orphanet 140162, MedGen C0027672, MeSH D009386, MONDO:0015356.
Hereditary breast ovarian cancer syndrome. Also called: Breast and ovarian cancer; Hereditary breast and ovarian cancer syndrome; Hereditary breast and ovarian cancer syndrome (HBOC); Hereditary breast and ovarian cancer; Hereditary breast and/or ovarian cancer syndrome; BRCA1- and BRCA2-Associated Hereditary Breast and Ovarian Cancer. Identifiers: Orphanet 145, MedGen C0677776, MeSH D061325, MONDO:0003582. Disease mechanism: loss of function.
Bloom syndrome (BLM). Also called: Bloom-Torre-Machacek syndrome. Identifiers: Orphanet 125, MedGen C0005859, MONDO:0008876, OMIM 210900.

Allele frequency attached by ClinVar (database versions not stated): gnomAD 0.00001; ExAC 0.00002; gnomAD exomes 0.00002 and 0.00003; TOPMed 0.00003.
gnomAD v4.1: 28 of 1,614,050 alleles (0.0017%); highest among the groups gnomAD compares: East Asian, 0.056%; no homozygotes.

Submissions (8):

Labcorp Genetics (formerly Invitae), Labcorp
Classification: Uncertain significance for Bloom syndrome. Last evaluated: 2026-01-27. Review status: criteria provided, single submitter. Criteria: Invitae Variant Classification Sherloc (09022015). Collection method: clinical testing. Allele origin: germline.
Comment: This sequence change replaces alanine, which is neutral and non-polar, with valine, which is neutral and non-polar, at codon 915 of the BLM protein (p.Ala915Val). This variant is present in population databases (rs775026151, gnomAD 0.04%). This variant has not been reported in the literature in individuals affected with BLM-related conditions. ClinVar contains an entry for this variant (Variation ID: 454116). Invitae Evidence Modeling of protein sequence and biophysical properties (such as structural, functional, and spatial information, amino acid conservation, physicochemical variation, residue mobility, and thermodynamic stability) has been performed for this missense variant. However, the output from this modeling did not meet the statistical confidence thresholds required to predict the impact of this variant on BLM protein function. In summary, the available evidence is currently insufficient to determine the role of this variant in disease. Therefore, it has been classified as a Variant of Uncertain Significance.

PreventionGenetics, part of Exact Sciences
Classification: Uncertain significance for BLM-related condition. Last evaluated: 2025-09-17. Review status: criteria provided, single submitter. Criteria: ACMG Guidelines, 2015. Collection method: clinical testing. Allele origin: germline.
Comment: The BLM c.2744C>T variant is predicted to result in the amino acid substitution p.Ala915Val. To our knowledge, this variant has not been reported in the literature in individuals with BLM-related disease. This variant is reported in 0.040% of alleles in individuals of East Asian descent in gnomAD and is interpreted as uncertain in ClinVar (Variation ID: 454116). At this time, the clinical significance of this variant is uncertain due to the absence of conclusive functional and genetic evidence.

Ambry Genetics
Classification: Uncertain significance for Hereditary cancer-predisposing syndrome. Last evaluated: 2023-12-15. Review status: criteria provided, single submitter. Criteria: Ambry Variant Classification Scheme 2023. Collection method: clinical testing. Allele origin: germline.
Comment: The p.A915V variant (also known as c.2744C>T), located in coding exon 13 of the BLM gene, results from a C to T substitution at nucleotide position 2744. The alanine at codon 915 is replaced by valine, an amino acid with similar properties. This amino acid position is highly conserved in available vertebrate species. In addition, the in silico prediction for this alteration is inconclusive. Since supporting evidence is limited at this time, the clinical significance of this alteration remains unclear.

Sema4
Classification: Uncertain significance for Hereditary cancer-predisposing syndrome. Last evaluated: 2021-09-10. Review status: criteria provided, single submitter. Criteria: Sema4 Curation Guidelines. Collection method: curation. Allele origin: germline.
Comment: To the best of our knowledge, the BLM c.2744C>T (p.A915V) variant has not been reported in individuals with BLM-related disease. It was observed in 8/19948 chromosomes of the East Asian subpopulation, with no homozygotes, in the large and broad cohorts of the Genome Aggregation Database (PMID: 32461654). The variant has been reported in ClinVar (Variation ID 454116). Functional studies have not been performed, and in silico predictions of the variant's effect on protein function are inconclusive. The evidence is insufficient to meet ACMG/AMP criteria for classifying the variant as benign or pathogenic. Thus, the clinical significance of this variant is currently uncertain.

Department of Pathology and Laboratory Medicine, Sinai Health System
Classification: Uncertain significance for colorectal cancer. Last evaluated: 2021-07-30. Review status: criteria provided, single submitter. Criteria: ACMG Guidelines, 2015. Collection method: research. Allele origin: germline.

Cancer Genomics Group, Japanese Foundation For Cancer Research
Classification: Uncertain significance for Hereditary breast and ovarian cancer syndrome. Last evaluated: 2019-05-01. Review status: criteria provided, single submitter. Criteria: ACMG Guidelines, 2015. Collection method: research. Allele origin: germline. Affected: yes.

Illumina Laboratory Services, Illumina
Classification: Uncertain significance for Bloom syndrome. Last evaluated: 2018-01-13. Review status: criteria provided, single submitter. Criteria: ICSL Variant Classification Criteria 13 December 2019. Collection method: clinical testing. Allele origin: germline.

Natera, Inc.
Classification: Uncertain significance for Bloom syndrome. Last evaluated: 2020-09-16. Review status: no assertion criteria provided. Collection method: clinical testing. Allele origin: germline. Not counted in ClinVar's aggregate classification.

Literature cited by the submitters: PubMed 26503572 (cited by Ambry Genetics).

NM_000057.4(BLM):c.2744C>T (p.Ala915Val)

Gene: BLM (BLM RecQ like helicase; plus strand). Cytogenetic location: 15q26.1.
Variant type: single nucleotide variant.
Coding change: c.2744C>T on transcript NM_000057.4 (MANE Select); coding-DNA position 2744, C replaced by T.
Protein change: p.Ala915Val; replaces alanine 915 with valine.
Molecular consequence: missense variant.
Genome position (GRCh38, 1-based): chr15:90,785,002, C>T. VCF-style: chr15-90785002-C-T. GRCh37 (hg19) VCF-style: chr15-91328232-C-T.
Other names: c.2744C>T, p.Ala915Val (NM_001287246.2, NM_001287247.2); c.1619C>T, p.Ala540Val (NM_001287248.2); short protein forms A915V, A540V.
Identifiers: ClinVar variation 454116 (VCV000454116.21), dbSNP rs775026151, ClinGen allele CA7738866.